The following is an entry in ClinVar:

NM_001845.6(COL4A1):c.3488G>A (p.Gly1163Glu)

Gene: COL4A1 (collagen type IV alpha 1 chain; minus strand). Cytogenetic location: 13q34.
Variant type: single nucleotide variant.
Coding change: c.3488G>A on transcript NM_001845.6 (MANE Select); coding-DNA position 3488, G replaced by A.
Protein change: p.Gly1163Glu; replaces glycine 1163 with glutamic acid.
Molecular consequence: missense variant.
Genome position (GRCh38, 1-based): chr13:110,173,917, C>T on the plus strand (G>A on the coding strand, the complement: COL4A1 is on the minus strand). VCF-style: chr13-110173917-C-T. GRCh37 (hg19) VCF-style: chr13-110826264-C-T.
Other names: short protein forms G1163E.
Identifiers: ClinVar variation 1315777 (VCV001315777.2), dbSNP rs2139159488, ClinGen allele CA388664137.

ClinVar aggregate classification (germline): Uncertain significance (1 of 4 stars; one submission).

Submission:

GeneDx
Classification: Uncertain significance. Last evaluated: 2019-10-01. Review status: criteria provided, single submitter. Criteria: GeneDx Variant Classification Process June 2021. Collection method: clinical testing. Allele origin: germline. Affected: yes.
Comment: Not observed in large population cohorts (Lek et al., 2016); In silico analysis, which includes protein predictors and evolutionary conservation, supports a deleterious effect; Has not been previously published as pathogenic or benign to our knowledge